The following is an entry in ClinVar:

NM_007208.4(MRPL3):c.985C>T (p.Pro329Ser)

Gene: MRPL3 (mitochondrial ribosomal protein L3; minus strand). Cytogenetic location: 3q22.1.
Variant type: single nucleotide variant.
Coding change: c.985C>T on transcript NM_007208.4 (MANE Select); coding-DNA position 985, C replaced by T.
Protein change: p.Pro329Ser; replaces proline 329 with serine.
Molecular consequence: missense variant.
Genome position (GRCh38, 1-based): chr3:131,462,785, G>A on the plus strand (C>T on the coding strand, the complement: MRPL3 is on the minus strand). VCF-style: chr3-131462785-G-A. GRCh37 (hg19) VCF-style: chr3-131181629-G-A.
Other names: short protein forms P329S.
Identifiers: ClinVar variation 1203624 (VCV001203624.11), dbSNP rs145183319, ClinGen allele CA2616848.
Genomic context (GRCh38, chr3:131,462,785, plus strand): 5'-AGGCAAATGTAATAGAAGGCGCACCGGGCTGACACACGTTTTCATCATACAAATCTTCTG[G>A]CAGTTCCTCTTCATCTCCATCAGGAAAATATGTAGGGAATGGTAGATTTTTACCGAGATC-3'
Protein context (NP_009139.1, residues 319-339): YFPDGDEEEL[Pro329Ser]EDLYDENVCQ

ClinVar aggregate classification (germline): Conflicting classifications of pathogenicity. Review status: criteria provided, conflicting classifications (1 of 4 stars). 3 submissions from 3 submitters: Uncertain significance (2); Likely benign (1). Last evaluated 2025-12-02.

Allele frequency attached by ClinVar (database versions not stated): ExAC 0.00020; gnomAD exomes 0.00015 and 0.00032; gnomAD 0.00021 and 0.00019; TOPMed 0.00021; ESP Exome Variant Server 0.00015.
gnomAD v4.1: 273 of 1,612,932 alleles (0.017%); highest among the groups gnomAD compares: Middle Eastern, 0.016%; 1 homozygote.

Submissions (3):

Labcorp Genetics (formerly Invitae), Labcorp
Classification: Likely benign. Last evaluated: 2025-12-02. Review status: criteria provided, single submitter. Criteria: Invitae Variant Classification Sherloc (09022015). Collection method: clinical testing. Allele origin: germline.

GeneDx
Classification: Uncertain significance. Last evaluated: 2024-06-06. Review status: criteria provided, single submitter. Criteria: GeneDx Variant Classification Process June 2021. Collection method: clinical testing. Allele origin: germline. Affected: yes.
Comment: Has not been previously published as pathogenic or benign to our knowledge; In silico analysis supports that this missense variant has a deleterious effect on protein structure/function

Ambry Genetics
Classification: Uncertain significance. Last evaluated: 2023-02-28. Review status: criteria provided, single submitter. Criteria: Ambry Variant Classification Scheme 2023. Collection method: clinical testing. Allele origin: germline.